The following is an entry in ClinVar:

ClinVar aggregate classification (germline): Uncertain significance (1 of 4 stars; one submission).

Submission:

CeGaT Center for Human Genetics Tuebingen
Classification: Uncertain significance. Last evaluated: 2024-08-01. Review status: criteria provided, single submitter. Criteria: CeGaT Center For Human Genetics Tuebingen Variant Classification Criteria Version 2. Collection method: clinical testing. Allele origin: germline. Affected: yes. Observed: 1 variant allele.
Comment: KMT2B: PM2

NM_014727.3(KMT2B):c.1294C>T (p.Pro432Ser)

Gene: KMT2B (lysine methyltransferase 2B; plus strand). Cytogenetic location: 19q13.12.
Variant type: single nucleotide variant.
Coding change: c.1294C>T on transcript NM_014727.3 (MANE Select); coding-DNA position 1294, C replaced by T.
Protein change: p.Pro432Ser; replaces proline 432 with serine.
Molecular consequence: missense variant.
Genome position (GRCh38, 1-based): chr19:35,720,641, C>T. VCF-style: chr19-35720641-C-T. GRCh37 (hg19) VCF-style: chr19-36211543-C-T.
Other names: short protein forms P432S.
Identifiers: ClinVar variation 3342128 (VCV003342128.16).